The following is an entry in ClinVar:

ClinVar aggregate classification (germline): Uncertain significance (1 of 4 stars; one submission).

Submission:

Ambry Genetics
Classification: Uncertain significance. Last evaluated: 2024-08-30. Review status: criteria provided, single submitter. Criteria: Ambry Variant Classification Scheme 2023. Collection method: clinical testing. Allele origin: germline.
Comment: The p.H329Q variant (also known as c.987C>G), located in coding exon 9 of the FAM175A gene, results from a C to G substitution at nucleotide position 987. The histidine at codon 329 is replaced by glutamine, an amino acid with highly similar properties. This amino acid position is conserved. In addition, this alteration is predicted to be tolerated by in silico analysis. Based on the available evidence, the clinical significance of this variant remains unclear.

NM_139076.3(ABRAXAS1):c.987C>G (p.His329Gln)

Gene: ABRAXAS1 (abraxas 1, BRCA1 A complex subunit; minus strand). Cytogenetic location: 4q21.23.
Variant type: single nucleotide variant.
Coding change: c.987C>G on transcript NM_139076.3 (MANE Select); coding-DNA position 987, C replaced by G.
Protein change: p.His329Gln; replaces histidine 329 with glutamine.
Molecular consequence: missense variant.
Genome position (GRCh38, 1-based): chr4:83,462,712, G>C on the plus strand (C>G on the coding strand, the complement: ABRAXAS1 is on the minus strand). VCF-style: chr4-83462712-G-C. GRCh37 (hg19) VCF-style: chr4-84383865-G-C.
Other names: c.660C>G, p.His220Gln (NM_001345962.2); short protein forms H220Q, H329Q.
Identifiers: ClinVar variation 3447003 (VCV003447003.1).
Genomic context (GRCh38, chr4:83,462,712, plus strand): 5'-TAAGGCTTTATGCTTAATGATTTGTGGTGTACTAGCTGGACTAGCTTCAGGAATGTCAGT[G>C]TGTTCTACCATTAAGGTCAGATTGTCTACTACATCGAGATGGTGGTTGTAGTTACAGCTA-3'
Protein context (NP_620775.2, residues 319-339): VVDNLTLMVE[His329Gln]TDIPEASPAS